The following is an entry in ClinVar:

ClinVar aggregate classification (germline): Uncertain significance. Review status: criteria provided, multiple submitters, no conflicts (2 of 4 stars). 4 submissions from 4 submitters: Uncertain significance (4). Last evaluated 2025-08-15.

Conditions:
Inborn genetic diseases. Identifiers: MedGen C0950123, MeSH D030342.
Knobloch syndrome (KNO). Also called: RETINAL DETACHMENT AND OCCIPITAL ENCEPHALOCELE; Myopia retinal detachment encephalocele. Identifiers: Orphanet 1571, MedGen C1849409, MONDO:0800166.

Allele frequency attached by ClinVar (database versions not stated): TOPMed 0.00004; gnomAD exomes 0.00006 and 0.00007; gnomAD 0.00007; ExAC 0.00014; ESP Exome Variant Server 0.00017.
gnomAD v4.1: 95 of 1,609,814 alleles (0.0059%); highest among the groups gnomAD compares: Non-Finnish European, 0.0074%; no homozygotes.

Submissions (4):

Labcorp Genetics (formerly Invitae), Labcorp
Classification: Uncertain significance. Last evaluated: 2025-08-15. Review status: criteria provided, single submitter. Criteria: Invitae Variant Classification Sherloc (09022015). Collection method: clinical testing. Allele origin: germline.
Comment: This sequence change affects codon 811 of the COL18A1 mRNA. It is a 'silent' change, meaning that it does not change the encoded amino acid sequence of the COL18A1 protein. This variant also falls at the last nucleotide of exon 28, which is part of the consensus splice site for this exon. This variant is present in population databases (rs200147240, gnomAD 0.02%). This variant has not been reported in the literature in individuals affected with COL18A1-related conditions. ClinVar contains an entry for this variant (Variation ID: 898258). Variants that disrupt the consensus splice site are a relatively common cause of aberrant splicing (PMID: 17576681, 9536098). Algorithms developed to predict the effect of sequence changes on RNA splicing suggest that this variant may disrupt the consensus splice site. In summary, the available evidence is currently insufficient to determine the role of this variant in disease. Therefore, it has been classified as a Variant of Uncertain Significance.

Blueprint Genetics
Classification: Uncertain significance. Last evaluated: 2024-01-23. Review status: criteria provided, single submitter. Criteria: ACMG Guidelines, 2015. Collection method: clinical testing. Allele origin: germline.

Ambry Genetics
Classification: Uncertain significance for Inborn genetic diseases. Last evaluated: 2021-10-01. Review status: criteria provided, single submitter. Criteria: Ambry Variant Classification Scheme 2023. Collection method: clinical testing. Allele origin: germline.
Comment: Occurs in the last base pair of the exon Based on insufficient or conflicting evidence, the clinical significance of this alteration remains unclear.

Illumina Laboratory Services, Illumina
Classification: Uncertain significance for Knobloch syndrome 1. Last evaluated: 2018-01-12. Review status: criteria provided, single submitter. Criteria: ICSL Variant Classification Criteria 13 December 2019. Collection method: clinical testing. Allele origin: germline.

Literature cited by the submitters: PubMed 17576681 (cited by Labcorp Genetics (formerly Invitae), Labcorp); PubMed 9536098 (cited by Labcorp Genetics (formerly Invitae), Labcorp).

NM_001379500.1(COL18A1):c.2433G>A (p.Pro811=)

Gene: COL18A1 (collagen type XVIII alpha 1 chain; plus strand). Cytogenetic location: 21q22.3.
Variant type: single nucleotide variant.
Coding change: c.2433G>A on transcript NM_001379500.1 (MANE Select); coding-DNA position 2433, G replaced by A.
Protein change: p.Pro811=; no amino-acid change (proline 811 retained).
Molecular consequence: synonymous variant.
Genome position (GRCh38, 1-based): chr21:45,494,915, G>A. VCF-style: chr21-45494915-G-A. GRCh37 (hg19) VCF-style: chr21-46914829-G-A.
Other names: NM_130445.2:c.2433G>A; c.2973G>A, p.Pro991= (NM_030582.4); c.3678G>A, p.Pro1226= (NM_130444.3).
Identifiers: ClinVar variation 898258 (VCV000898258.10), dbSNP rs200147240, ClinGen allele CA10067083.